The following is an entry in ClinVar:

NM_001256447.2(BCAP31):c.551T>G (p.Leu184Arg)

Gene: BCAP31 (B cell receptor associated protein 31; minus strand). Cytogenetic location: Xq28.
Variant type: single nucleotide variant.
Coding change: c.551T>G on transcript NM_001256447.2 (MANE Select); coding-DNA position 551, T replaced by G.
Protein change: p.Leu184Arg; replaces leucine 184 with arginine.
Molecular consequence: missense variant.
Genome position (GRCh38, 1-based): chrX:153,702,985, A>C on the plus strand (T>G on the coding strand, the complement: BCAP31 is on the minus strand). VCF-style: chrX-153702985-A-C. GRCh37 (hg19) VCF-style: chrX-152968440-A-C.
Other names: c.551T>G, p.Leu184Arg (NM_001139441.1, NM_005745.8); c.752T>G, p.Leu251Arg (NM_001139457.2); short protein forms L184R, L251R.
Identifiers: ClinVar variation 4727223 (VCV004727223.1).

ClinVar aggregate classification (germline): Uncertain significance (1 of 4 stars; one submission).

gnomAD v4.1: 4 of 1,208,938 alleles (0.00033%); highest among the groups gnomAD compares: South Asian, 0.007%; no homozygotes.

Submission:

Labcorp Genetics (formerly Invitae), Labcorp
Classification: Uncertain significance. Last evaluated: 2025-09-15. Review status: criteria provided, single submitter. Criteria: Invitae Variant Classification Sherloc (09022015). Collection method: clinical testing. Allele origin: germline.
Comment: This sequence change replaces leucine, which is neutral and non-polar, with arginine, which is basic and polar, at codon 184 of the BCAP31 protein (p.Leu184Arg). This variant is present in population databases (rs782699686, gnomAD 0.01%). This variant has not been reported in the literature in individuals affected with BCAP31-related conditions. An algorithm developed to predict the effect of missense changes on protein structure and function (PolyPhen-2) suggests that this variant is likely to be disruptive. In summary, the available evidence is currently insufficient to determine the role of this variant in disease. Therefore, it has been classified as a Variant of Uncertain Significance.